The following is an entry in ClinVar:

ClinVar aggregate classification (germline): Conflicting classifications of pathogenicity. Review status: criteria provided, conflicting classifications (1 of 4 stars). 7 submissions from 7 submitters: Uncertain significance (1); Benign (2); Likely benign (2). 2 of the submissions do not count toward it. Last evaluated 2026-09-01.

Conditions:
Aicardi-Goutieres syndrome 6 (AGS6). Identifiers: Orphanet 51, MedGen C3539013, MONDO:0014007, OMIM 615010.
Symmetrical dyschromatosis of extremities (DSH). Also called: DYSCHROMATOSIS SYMMETRICA HEREDITARIA 1; Dyschromatosis symmetrica hereditaria; RETICULATE ACROPIGMENTATION OF DOHI; SYMMETRIC DYSCHROMATOSIS OF THE EXTREMITIES. Identifiers: Orphanet 41, MedGen C0406775, MONDO:0007483, OMIM 127400.

Allele frequency attached by ClinVar (database versions not stated): 1000 Genomes Project 0.00080; 1000 Genomes Project 30x 0.00094; TOPMed 0.00125; gnomAD 0.00135 and 0.00141; ESP Exome Variant Server 0.00161; gnomAD exomes 0.00207 and 0.00237; ExAC 0.00213.
gnomAD v4.1: 3,647 of 1,613,954 alleles (0.23%); highest among the groups gnomAD compares: South Asian, 0.56%; 18 homozygotes.

Submissions (11):

CeGaT Center for Human Genetics Tuebingen
Classification: Likely benign. Last evaluated: 2026-09-01. Review status: criteria provided, single submitter. Criteria: CeGaT Center For Human Genetics Tuebingen Variant Classification Criteria Version 2. Collection method: clinical testing. Allele origin: germline. Affected: yes. Observed: 8 variant alleles.
Comment: ADAR: BP4, BS2

Labcorp Genetics (formerly Invitae), Labcorp
Classification: Benign for Aicardi-Goutieres syndrome 6; Symmetrical dyschromatosis of extremities. Last evaluated: 2026-02-03. Review status: criteria provided, single submitter. Criteria: Invitae Variant Classification Sherloc (09022015). Collection method: clinical testing. Allele origin: germline.

GeneDx
Classification: Likely benign. Last evaluated: 2020-11-10. Review status: criteria provided, single submitter. Criteria: GeneDx Variant Classification Process June 2021. Collection method: clinical testing. Allele origin: germline. Affected: yes.

Illumina Laboratory Services, Illumina
Classification: Benign for Symmetrical dyschromatosis of extremities. Last evaluated: 2018-01-12. Review status: criteria provided, single submitter. Criteria: ICSL Variant Classification Criteria 13 December 2019. Collection method: clinical testing. Allele origin: germline.
Comment: This variant was observed in the ICSL laboratory as part of a predisposition screen in an ostensibly healthy population. It had not been previously curated by ICSL or reported in the Human Gene Mutation Database (HGMD: prior to June 1st, 2018), and was therefore a candidate for classification through an automated scoring system. Utilizing variant allele frequency, disease prevalence and penetrance estimates, and inheritance mode, an automated score was calculated to assess if this variant is too frequent to cause the disease. Based on the score and internal cut-off values, a variant classified as benign is not then subjected to further curation. The score for this variant resulted in a classification of benign for this disease.

Center for Genomics, Ann and Robert H. Lurie Children's Hospital of Chicago
Classification: Uncertain significance for Symmetrical dyschromatosis of extremities; Aicardi-Goutieres syndrome 6. Review status: criteria provided, single submitter. Criteria: ACMG Guidelines, 2015. Collection method: clinical testing. Allele origin: germline.
Comment: ADAR NM_001111.4 exon 8 c.2668+6T>C: This variant has not been reported in the literature but is present in 0.5% (161/30782) of South Asian alleles, including 5 homozygotes in the Genome Aggregation Database. This variant is present in ClinVar (Variation ID:292766). Evolutionary conservation and computational predictive tools for this variant are limited or unavailable. This variant is an intronic variant; splice prediction tools suggest that this variant may not affect splicing. However, further studies are needed to understand its impact. In summary, data on this variant is insufficient for disease classification. Therefore, the clinical significance of this variant is uncertain.

Clinical Genetics DNA and cytogenetics Diagnostics Lab, Erasmus MC, Erasmus Medical Center
Classification: Likely benign. Review status: no assertion criteria provided. Collection method: clinical testing. Allele origin: germline. Affected: yes. Study: VKGL Data-share Consensus. Not counted in ClinVar's aggregate classification.

Dr. Peter K. Rogan Lab, Western University
No classification provided (evidence only). Condition: Familial cancer of breast. Review status: no classification provided. Collection method: in vitro. Allele origin: not applicable. Functional consequence: retained intron. Not counted in ClinVar's aggregate classification.

Dr. Peter K. Rogan Lab, Western University
No classification provided (evidence only). Condition: Acute myeloid leukemia. Review status: no classification provided. Collection method: in vitro. Allele origin: not applicable. Functional consequence: retained intron. Not counted in ClinVar's aggregate classification.

Dr. Peter K. Rogan Lab, Western University
No classification provided (evidence only). Condition: Gastric cancer. Review status: no classification provided. Collection method: in vitro. Allele origin: not applicable. Functional consequence: retained intron. Not counted in ClinVar's aggregate classification.

Dr. Peter K. Rogan Lab, Western University
No classification provided (evidence only). Condition: Familial pancreatic carcinoma. Review status: no classification provided. Collection method: in vitro. Allele origin: not applicable. Functional consequence: retained intron. Not counted in ClinVar's aggregate classification.

Genome Diagnostics Laboratory, University Medical Center Utrecht
Classification: Likely benign. Review status: no assertion criteria provided. Collection method: clinical testing. Allele origin: germline. Affected: yes. Study: VKGL Data-share Consensus. Not counted in ClinVar's aggregate classification.

NM_001111.5(ADAR):c.2668+6T>C

Genes: ADAR (adenosine deaminase RNA specific; minus strand), LOC126805874 (CDK7 strongly-dependent group 2 enhancer GRCh37_chr1:154561176-154562375; plus strand). Cytogenetic location: 1q21.3.
Variant type: single nucleotide variant.
Coding change: c.2668+6T>C on transcript NM_001111.5 (MANE Select); 6 bases into the intron after coding-DNA position 2668, T replaced by C.
Molecular consequence: intron variant.
Genome position (GRCh38, 1-based): chr1:154,589,751, A>G on the plus strand (T>C on the coding strand, the complement: ADAR is on the minus strand). VCF-style: chr1-154589751-A-G. GRCh37 (hg19) VCF-style: chr1-154562227-A-G.
Other names: c.1783+6T>C (NM_001365046.1, NM_001025107.3, NM_001365048.1 and 2 more transcripts); c.2695+6T>C (NM_001365045.1); c.1705+6T>C (NM_001365049.1); c.2533+6T>C (NM_015841.4); c.2590+6T>C (NM_015840.4); c.2668+6T>C (LRG_1212t1).
Identifiers: ClinVar variation 292766 (VCV000292766.66), dbSNP rs190881240, ClinGen allele CA1131201.